The following is an entry in ClinVar:

NM_000368.5(TSC1):c.61G>T (p.Val21Leu)

Gene: TSC1 (TSC complex subunit 1; minus strand). Cytogenetic location: 9q34.13.
Variant type: single nucleotide variant.
Coding change: c.61G>T on transcript NM_000368.5 (MANE Select); coding-DNA position 61, G replaced by T.
Protein change: p.Val21Leu; replaces valine 21 with leucine.
Molecular consequence: missense variant. On other transcripts: 5 prime UTR variant (1).
Genome position (GRCh38, 1-based): chr9:132,928,812, C>A on the plus strand (G>T on the coding strand, the complement: TSC1 is on the minus strand). VCF-style: chr9-132928812-C-A. GRCh37 (hg19) VCF-style: chr9-135804199-C-A.
Other names: c.61G>T, p.Val21Leu (NM_001162426.2, NM_001162427.2); c.-199G>T (NM_001362177.2); short protein forms V21L.
Identifiers: ClinVar variation 641948 (VCV000641948.21), dbSNP rs1392596033, ClinGen allele CA375375348.

ClinVar aggregate classification (germline): Conflicting classifications of pathogenicity. Review status: criteria provided, conflicting classifications (1 of 4 stars). 5 submissions from 5 submitters: Uncertain significance (3); Likely benign (2). Last evaluated 2025-11-17.

Conditions:
Hereditary cancer-predisposing syndrome. Also called: Neoplastic Syndromes, Hereditary; Hereditary Cancer Syndrome; Hereditary neoplastic syndrome; Tumor predisposition. Identifiers: Orphanet 140162, MedGen C0027672, MeSH D009386, MONDO:0015356.
Tuberous sclerosis syndrome (TSC). Also called: Tuberous sclerosis; Tuberous Sclerosis Complex. Identifiers: Orphanet 805, MedGen C0041341, MONDO:0001734.
Tuberous sclerosis 1 (TSC1). Identifiers: Orphanet 805, MedGen C1854465, MONDO:0008612, OMIM 191100.

Allele frequency attached by ClinVar (database versions not stated): gnomAD 0.00001; TOPMed 0.00001.

Submissions (5):

Labcorp Genetics (formerly Invitae), Labcorp
Classification: Uncertain significance for Tuberous sclerosis 1. Last evaluated: 2025-11-17. Review status: criteria provided, single submitter. Criteria: Invitae Variant Classification Sherloc (09022015). Collection method: clinical testing. Allele origin: germline.
Comment: This sequence change replaces valine, which is neutral and non-polar, with leucine, which is neutral and non-polar, at codon 21 of the TSC1 protein (p.Val21Leu). This variant is not present in population databases (gnomAD no frequency). This variant has not been reported in the literature in individuals affected with TSC1-related conditions. ClinVar contains an entry for this variant (Variation ID: 641948). Invitae Evidence Modeling of protein sequence and biophysical properties (such as structural, functional, and spatial information, amino acid conservation, physicochemical variation, residue mobility, and thermodynamic stability) indicates that this missense variant is not expected to disrupt TSC1 protein function with a negative predictive value of 95%. In summary, the available evidence is currently insufficient to determine the role of this variant in disease. Therefore, it has been classified as a Variant of Uncertain Significance.

Ambry Genetics
Classification: Uncertain significance for Hereditary cancer-predisposing syndrome. Last evaluated: 2024-06-11. Review status: criteria provided, single submitter. Criteria: Ambry Variant Classification Scheme 2023. Collection method: clinical testing. Allele origin: germline.
Comment: The p.V21L variant (also known as c.61G>T), located in coding exon 1 of the TSC1 gene, results from a G to T substitution at nucleotide position 61. The valine at codon 21 is replaced by leucine, an amino acid with highly similar properties. This amino acid position is well conserved in available vertebrate species. In addition, the in silico prediction for this alteration is inconclusive. Based on the available evidence, the clinical significance of this variant remains unclear.

All of Us Research Program, National Institutes of Health
Classification: Uncertain significance for Tuberous sclerosis syndrome. Last evaluated: 2024-05-30. Review status: criteria provided, single submitter. Criteria: ACMG Guidelines, 2015. Collection method: clinical testing. Allele origin: germline. Inheritance: Autosomal dominant inheritance. Observed: 1 variant allele, 1 heterozygote.
Comment: This missense variant replaces valine with leucine at codon 21 of the TSC1 protein. Computational prediction suggests that this variant may not impact protein structure and function (internally defined REVEL score threshold <= 0.5, PMID: 27666373). To our knowledge, functional studies have not been reported for this variant. This variant has not been reported in individuals affected with TSC1-related disorders in the literature. This variant has not been identified in the general population by the Genome Aggregation Database (gnomAD). The available evidence is insufficient to determine the role of this variant in disease conclusively. Therefore, this variant is classified as a Variant of Uncertain Significance.

This study involves interpretation of variants in research participants for the purpose of population health screening. Participant phenotype was not available at the time of variant classification. Additional details can be found in publication PMID: 35346344, PMCID: PMC8962531

Genome-Nilou Lab
Classification: Likely benign for Tuberous sclerosis 1. Last evaluated: 2021-11-07. Review status: criteria provided, single submitter. Criteria: ACMG Guidelines, 2015. Collection method: clinical testing. Allele origin: germline. Affected: no.

GeneDx
Classification: Likely benign. Last evaluated: 2019-06-07. Review status: criteria provided, single submitter. Criteria: GeneDx Variant Classification Process June 2021. Collection method: clinical testing. Allele origin: germline. Affected: yes.
Comment: Not observed in large population cohorts (Lek et al., 2016); In silico analysis, which includes protein predictors and evolutionary conservation, supports that this variant does not alter protein structure/function; Has not been previously published as pathogenic or benign to our knowledge